The following is an entry in ClinVar:

ClinVar aggregate classification (germline): Conflicting classifications of pathogenicity. Review status: criteria provided, conflicting classifications (1 of 4 stars). 2 submissions from 2 submitters: Uncertain significance (1); Likely benign (1). Last evaluated 2025-04-04.

Conditions:
Cardiovascular phenotype. Identifiers: MedGen CN230736.
Myofibrillar myopathy 5. Also called: FILAMINOPATHY, AUTOSOMAL DOMINANT; Filaminopathy (type). Identifiers: Orphanet 171445, MedGen C1836050, MONDO:0012289, OMIM 609524.
Distal myopathy with posterior leg and anterior hand involvement. Also called: WILLIAMS DISTAL MYOPATHY. Identifiers: Orphanet 63273, MedGen C3279722, MONDO:0013550, OMIM 614065.
Hypertrophic cardiomyopathy 26. Also called: Cardiomyopathy, familial hypertrophic, 26. Identifiers: Orphanet 75249, MedGen C4310749, MONDO:0014883, OMIM 617047.

Allele frequency attached by ClinVar (database versions not stated): gnomAD exomes below 0.00001; ExAC 0.00001.
gnomAD v4.1: 4 of 1,613,812 alleles (0.00025%); highest among the groups gnomAD compares: African/African-American, 0.0053%; no homozygotes.

Submissions (2):

Ambry Genetics
Classification: Uncertain significance for Cardiovascular phenotype. Last evaluated: 2025-04-04. Review status: criteria provided, single submitter. Criteria: Ambry Variant Classification Scheme 2023. Collection method: clinical testing. Allele origin: germline.
Comment: The p.D949N variant (also known as c.2845G>A), located in coding exon 19 of the FLNC gene, results from a G to A substitution at nucleotide position 2845. The aspartic acid at codon 949 is replaced by asparagine, an amino acid with highly similar properties. This variant has been reported in a dilated cardiomyopathy (DCM) cohort (Lian H et al. J Transl Med, 2023 Jul;21:476). This amino acid position is highly conserved in available vertebrate species. In addition, this alteration is predicted to be tolerated by in silico analysis. Based on the available evidence, the clinical significance of this variant remains unclear.

Labcorp Genetics (formerly Invitae), Labcorp
Classification: Likely benign for Distal myopathy with posterior leg and anterior hand involvement; Myofibrillar myopathy 5; Hypertrophic cardiomyopathy 26. Last evaluated: 2023-05-22. Review status: criteria provided, single submitter. Criteria: Invitae Variant Classification Sherloc (09022015). Collection method: clinical testing. Allele origin: germline.

Literature cited by the submitters: PubMed 37461109 (cited by Ambry Genetics).

NM_001458.5(FLNC):c.2845G>A (p.Asp949Asn)

Gene: FLNC (filamin C; plus strand). Cytogenetic location: 7q32.1.
Variant type: single nucleotide variant.
Coding change: c.2845G>A on transcript NM_001458.5 (MANE Select); coding-DNA position 2845, G replaced by A.
Protein change: p.Asp949Asn; replaces aspartic acid 949 with asparagine.
Molecular consequence: missense variant.
Genome position (GRCh38, 1-based): chr7:128,843,829, G>A. VCF-style: chr7-128843829-G-A. GRCh37 (hg19) VCF-style: chr7-128483883-G-A.
Other names: c.2845G>A, p.Asp949Asn (NM_001127487.2); c.2845G>A (NM_001458.4); short protein forms D949N.
Identifiers: ClinVar variation 1486487 (VCV001486487.7), dbSNP rs761905908, ClinGen allele CA4474882.